The following is an entry in ClinVar:

ClinVar aggregate classification (germline): Pathogenic. Review status: criteria provided, multiple submitters, no conflicts (2 of 4 stars). 2 submissions from 2 submitters: Pathogenic (2). Last evaluated 2024-08-29.

Conditions:
Multiple endocrine neoplasia, type 1 (MEN1). Also called: Endocrine adenomatosis multiple; MEN 1; MEA I; MEN I; WERMER SYNDROME. Identifiers: Orphanet 652, MedGen C0025267, MeSH D018761, MONDO:0007540, OMIM 131100.

Submissions (2):

Mayo Clinic Laboratories, Mayo Clinic
Classification: Pathogenic. Last evaluated: 2024-08-29. Review status: criteria provided, single submitter. Criteria: ACMG Guidelines, 2015. Collection method: clinical testing. Allele origin: germline. Observed: 1 variant allele.
Comment: PP4, PM2, PVS1

Labcorp Genetics (formerly Invitae), Labcorp
Classification: Pathogenic for Multiple endocrine neoplasia, type 1. Last evaluated: 2022-02-09. Review status: criteria provided, single submitter. Criteria: Invitae Variant Classification Sherloc (09022015). Collection method: clinical testing. Allele origin: germline.
Comment: For these reasons, this variant has been classified as Pathogenic. Algorithms developed to predict the effect of sequence changes on RNA splicing suggest that this variant may create or strengthen a splice site. This variant has not been reported in the literature in individuals affected with MEN1-related conditions. This variant is not present in population databases (gnomAD no frequency). This sequence change creates a premature translational stop signal (p.Asp136Glufs*49) in the MEN1 gene. It is expected to result in an absent or disrupted protein product. Loss-of-function variants in MEN1 are known to be pathogenic (PMID: 12112656, 17853334).

Literature cited by the submitters: PubMed 12112656 (cited by Labcorp Genetics (formerly Invitae), Labcorp); PubMed 17853334 (cited by Labcorp Genetics (formerly Invitae), Labcorp).

NM_001370259.2(MEN1):c.392_407dup (p.Asp136fs)

Gene: MEN1 (menin 1; minus strand). Cytogenetic location: 11q13.1.
Variant type: Duplication.
Coding change: c.392_407dup on transcript NM_001370259.2 (MANE Select); coding-DNA positions 392 to 407, 16 bases duplicated (GCTCCTACTTCAAGGA).
Protein change: p.Asp136fs; shifts the reading frame from aspartic acid 136.
Molecular consequence: frameshift variant.
Genome position (GRCh38, 1-based): chr11:64,809,703-64,809,718, TCCTTGAAGTAGGAGC duplicated on the plus strand (GCTCCTACTTCAAGGA on the coding strand, the reverse complement: MEN1 is on the minus strand). VCF-style (leftmost placement, unchanged base first): chr11-64809702-A-ATCCTTGAAGTAGGAGC. GRCh37 (hg19) VCF-style: chr11-64577174-A-ATCCTTGAAGTAGGAGC.
Other names: p.Asp136Glufs*49; c.392_407dup, p.Asp136fs (NM_000244.4, NM_001370251.2, NM_001370260.2 and 9 more transcripts); c.392_407dup, p.Asp136Glufs (NM_001407142.1, NM_001407143.1, NM_001407144.1 and 8 more transcripts); short protein forms D136fs.
Identifiers: ClinVar variation 2095377 (VCV002095377.5), dbSNP rs2497258661, ClinGen allele CA2580084407.